The following is an entry in ClinVar:

NM_014339.7(IL17RA):c.2128G>A (p.Gly710Ser)

Gene: IL17RA (interleukin 17 receptor A; plus strand). Cytogenetic location: 22q11.1.
Variant type: single nucleotide variant.
Coding change: c.2128G>A on transcript NM_014339.7 (MANE Select); coding-DNA position 2128, G replaced by A.
Protein change: p.Gly710Ser; replaces glycine 710 with serine.
Molecular consequence: missense variant.
Genome position (GRCh38, 1-based): chr22:17,109,347, G>A. VCF-style: chr22-17109347-G-A. GRCh37 (hg19) VCF-style: chr22-17590237-G-A.
Other names: p.Gly710Ser; c.2026G>A, p.Gly676Ser (NM_001289905.2); c.2128G>A (NM_014339.5); short protein forms G710S, G676S.
Identifiers: ClinVar variation 580571 (VCV000580571.11), dbSNP rs1223546319, ClinGen allele CA410220840.

ClinVar aggregate classification (germline): Uncertain significance. Review status: criteria provided, multiple submitters, no conflicts (2 of 4 stars). 3 submissions from 3 submitters: Uncertain significance (3). Last evaluated 2025-07-14.

Conditions:
Immunodeficiency 51 (IMD51). Also called: CANDIDIASIS, FAMILIAL, 5. Identifiers: Orphanet 1334, MedGen C4310803, MONDO:0013500, OMIM 613953.

Allele frequency attached by ClinVar (database versions not stated): gnomAD 0.00002 and 0.00003; gnomAD exomes 0.00002 and 0.00004; TOPMed 0.00003; 1000 Genomes Project 30x 0.00016.
gnomAD v4.1: 17 of 1,590,282 alleles (0.0011%); highest among the groups gnomAD compares: Admixed American, 0.027%; no homozygotes.

Submissions (3):

Mayo Clinic Laboratories, Mayo Clinic
Classification: Uncertain significance. Last evaluated: 2025-07-14. Review status: criteria provided, single submitter. Criteria: ACMG Guidelines, 2015. Collection method: clinical testing. Allele origin: germline. Observed: 1 variant allele.
Comment: BP4_moderate

Ambry Genetics
Classification: Uncertain significance. Last evaluated: 2024-10-07. Review status: criteria provided, single submitter. Criteria: Ambry Variant Classification Scheme 2023. Collection method: clinical testing. Allele origin: germline.

Labcorp Genetics (formerly Invitae), Labcorp
Classification: Uncertain significance for Immunodeficiency 51. Last evaluated: 2024-02-17. Review status: criteria provided, single submitter. Criteria: Invitae Variant Classification Sherloc (09022015). Collection method: clinical testing. Allele origin: germline.
Comment: This sequence change replaces glycine, which is neutral and non-polar, with serine, which is neutral and polar, at codon 710 of the IL17RA protein (p.Gly710Ser). This variant is present in population databases (no rsID available, gnomAD 0.03%). This variant has not been reported in the literature in individuals affected with IL17RA-related conditions. ClinVar contains an entry for this variant (Variation ID: 580571). Advanced modeling of protein sequence and biophysical properties (such as structural, functional, and spatial information, amino acid conservation, physicochemical variation, residue mobility, and thermodynamic stability) performed at Invitae indicates that this missense variant is not expected to disrupt IL17RA protein function with a negative predictive value of 80%. In summary, the available evidence is currently insufficient to determine the role of this variant in disease. Therefore, it has been classified as a Variant of Uncertain Significance.